The following is an entry in ClinVar:

ClinVar aggregate classification (germline): Pathogenic. Review status: criteria provided, multiple submitters, no conflicts (2 of 4 stars). 4 submissions from 4 submitters: Pathogenic (3). 1 of the submissions does not count toward it. Last evaluated 2024-05-26.

Conditions:
KCTD7-related disorder. Also called: KCTD7-related condition.
Progressive myoclonic epilepsy type 3. Also called: KCTD7-Related Progressive Myoclonic Epilepsy; EPILEPSY, PROGRESSIVE MYOCLONIC, 3, WITH OR WITHOUT INTRACELLULAR INCLUSIONS; CEROID LIPOFUSCINOSIS, NEURONAL, 14; EPILEPSY, PROGRESSIVE MYOCLONIC, 3, WITHOUT INTRACELLULAR INCLUSIONS. Identifiers: Orphanet 263516, MedGen C2673257, MONDO:0012721, OMIM 611726.

gnomAD v4.1: 7 of 1,613,996 alleles (0.00043%); highest among the groups gnomAD compares: Admixed American, 0.005%; no homozygotes.

Submissions (4):

Fulgent Genetics
Classification: Pathogenic for Progressive myoclonic epilepsy type 3. Last evaluated: 2024-05-26. Review status: criteria provided, single submitter. Criteria: ACMG Guidelines, 2015. Collection method: clinical testing. Allele origin: germline.

Labcorp Genetics (formerly Invitae), Labcorp
Classification: Pathogenic for Progressive myoclonic epilepsy type 3. Last evaluated: 2022-12-31. Review status: criteria provided, single submitter. Criteria: Invitae Variant Classification Sherloc (09022015). Collection method: clinical testing. Allele origin: germline.
Comment: For these reasons, this variant has been classified as Pathogenic. ClinVar contains an entry for this variant (Variation ID: 843). This premature translational stop signal has been observed in individual(s) with KCTD7-realated conditions (PMID: 17455289). This variant is present in population databases (rs267607199, gnomAD 0.0009%). This sequence change creates a premature translational stop signal (p.Arg99*) in the KCTD7 gene. It is expected to result in an absent or disrupted protein product. Loss-of-function variants in KCTD7 are known to be pathogenic (PMID: 22693283).

Blueprint Genetics
Classification: Pathogenic for KCTD7-related disorders. Last evaluated: 2020-02-13. Review status: criteria provided, single submitter. Criteria: ACMG Guidelines, 2015. Collection method: clinical testing. Allele origin: germline. Affected: yes. Observed: 1 variant allele.

OMIM
Classification: Pathogenic for EPILEPSY, PROGRESSIVE MYOCLONIC, 3, WITHOUT INTRACELLULAR INCLUSIONS. Last evaluated: 2007-06-01. Review status: no assertion criteria provided. Collection method: literature only. Allele origin: germline. Not counted in ClinVar's aggregate classification.

Literature cited by the submitters: PubMed 17455289 (cited by Labcorp Genetics (formerly Invitae), Labcorp and OMIM); PubMed 22693283 (cited by Labcorp Genetics (formerly Invitae), Labcorp).

NM_153033.5(KCTD7):c.295C>T (p.Arg99Ter)

Gene: KCTD7 (potassium channel tetramerization domain containing 7; plus strand). Cytogenetic location: 7q11.21.
Variant type: single nucleotide variant.
Coding change: c.295C>T on transcript NM_153033.5 (MANE Select); coding-DNA position 295, C replaced by T.
Protein change: p.Arg99Ter; replaces arginine 99 with a stop codon.
Molecular consequence: nonsense.
Genome position (GRCh38, 1-based): chr7:66,633,425, C>T. VCF-style: chr7-66633425-C-T. GRCh37 (hg19) VCF-style: chr7-66098412-C-T.
Other names: c.295C>T, p.Arg99Ter (NM_001167961.2); c.295C>T (NM_153033.4); short protein forms R99*.
Identifiers: ClinVar variation 843 (VCV000000843.6), dbSNP rs267607199, ClinGen allele CA114572.